The following is an entry in ClinVar:

NM_001267550.2(TTN):c.10366T>C (p.Phe3456Leu)

Gene: TTN (titin; minus strand). Cytogenetic location: 2q31.2.
Variant type: single nucleotide variant.
Coding change: c.10366T>C on transcript NM_001267550.2 (MANE Select); coding-DNA position 10366, T replaced by C.
Protein change: p.Phe3456Leu; replaces phenylalanine 3456 with leucine.
Molecular consequence: missense variant. On other transcripts: intron variant (5).
Genome position (GRCh38, 1-based): chr2:178,757,854, A>G on the plus strand (T>C on the coding strand, the complement: TTN is on the minus strand). VCF-style: chr2-178757854-A-G. GRCh37 (hg19) VCF-style: chr2-179622581-A-G.
Other names: c.10228T>C, p.Phe3410Leu (NM_133432.3); c.10165+1130T>C (NM_003319.4); c.10166-1057T>C (NM_133437.4); c.10303+1130T>C (NM_133378.4, NM_001256850.1, NM_133379.5); short protein forms F3410L, F3456L.
Identifiers: ClinVar variation 4681363 (VCV004681363.5).

ClinVar aggregate classification (germline): Uncertain significance (1 of 4 stars; one submission).

Submission:

CeGaT Center for Human Genetics Tuebingen
Classification: Uncertain significance. Last evaluated: 2025-12-01. Review status: criteria provided, single submitter. Criteria: CeGaT Center For Human Genetics Tuebingen Variant Classification Criteria Version 2. Collection method: clinical testing. Allele origin: germline. Affected: yes. Observed: 1 variant allele.
Comment: TTN: PM2, BP4